The following is an entry in ClinVar:

NM_001378454.1(ALMS1):c.12241A>G (p.Asn4081Asp)

Genes: ALMS1 (ALMS1 centrosome and basal body associated protein; plus strand), LOC126806252 (BRD4-independent group 4 enhancer GRCh37_chr2:73828496-73829695; plus strand). Cytogenetic location: 2p13.1.
Variant type: single nucleotide variant.
Coding change: c.12241A>G on transcript NM_001378454.1 (MANE Select); coding-DNA position 12241, A replaced by G.
Protein change: p.Asn4081Asp; replaces asparagine 4081 with aspartic acid.
Molecular consequence: missense variant.
Genome position (GRCh38, 1-based): chr2:73,602,311, A>G. VCF-style: chr2-73602311-A-G. GRCh37 (hg19) VCF-style: chr2-73829438-A-G.
Other names: c.12244A>G, p.Asn4082Asp (NM_015120.4); short protein forms N4081D, N4082D.
Identifiers: ClinVar variation 1753761 (VCV001753761.2), dbSNP rs1398267811, ClinGen allele CA347268365.

ClinVar aggregate classification (germline): Uncertain significance (1 of 4 stars; one submission).

Conditions:
Cardiovascular phenotype. Identifiers: MedGen CN230736.

Allele frequency attached by ClinVar (database versions not stated): gnomAD 0.00001.
gnomAD v4.1: 7 of 1,614,086 alleles (0.00043%); highest among the groups gnomAD compares: African/African-American, 0.0013%; no homozygotes.

Submission:

Ambry Genetics
Classification: Uncertain significance for Cardiovascular phenotype. Last evaluated: 2023-10-25. Review status: criteria provided, single submitter. Criteria: Ambry Variant Classification Scheme 2023. Collection method: clinical testing. Allele origin: germline.
Comment: The p.N4082D variant (also known as c.12244A>G), located in coding exon 20 of the ALMS1 gene, results from an A to G substitution at nucleotide position 12244. The asparagine at codon 4082 is replaced by aspartic acid, an amino acid with highly similar properties. This amino acid position is highly conserved in available vertebrate species. In addition, this alteration is predicted to be tolerated by in silico analysis. Since supporting evidence is limited at this time, the clinical significance of this alteration remains unclear.